The following is an entry in ClinVar:

NM_001184.4(ATR):c.1559G>A (p.Cys520Tyr)

Gene: ATR (ATR serine/threonine kinase; minus strand). Cytogenetic location: 3q23.
Variant type: single nucleotide variant.
Coding change: c.1559G>A on transcript NM_001184.4 (MANE Select); coding-DNA position 1559, G replaced by A.
Protein change: p.Cys520Tyr; replaces cysteine 520 with tyrosine.
Molecular consequence: missense variant.
Genome position (GRCh38, 1-based): chr3:142,559,424, C>T on the plus strand (G>A on the coding strand, the complement: ATR is on the minus strand). VCF-style: chr3-142559424-C-T. GRCh37 (hg19) VCF-style: chr3-142278266-C-T.
Other names: c.1367G>A, p.Cys456Tyr (NM_001354579.2); short protein forms C456Y, C520Y.
Identifiers: ClinVar variation 3462513 (VCV003462513.1).
Genomic context (GRCh38, chr3:142,559,424, plus strand): 5'-TAAAAATCCAATGACATCCAAGTTATCACTACAGAAGGTTTCTTCTTGGATTTATGTTGA[C>T]AGTCCTTGAAAGTACGGCTGCAGTAAGTACATTTTGTTAAAAACATTGGAATTAAGATGA-3'
Protein context (NP_001175.2, residues 510-530): QNMNCRTFKD[Cys520Tyr]QHKSKKKPSV

ClinVar aggregate classification (germline): Uncertain significance (1 of 4 stars; one submission).

Conditions:
Inborn genetic diseases. Identifiers: MedGen C0950123, MeSH D030342.

Submission:

Ambry Genetics
Classification: Uncertain significance for Inborn genetic diseases. Last evaluated: 2024-08-02. Review status: criteria provided, single submitter. Criteria: Ambry Variant Classification Scheme 2023. Collection method: clinical testing. Allele origin: germline.
Comment: The p.C520Y variant (also known as c.1559G>A), located in coding exon 7 of the ATR gene, results from a G to A substitution at nucleotide position 1559. The cysteine at codon 520 is replaced by tyrosine, an amino acid with highly dissimilar properties. This amino acid position is conserved. In addition, this alteration is predicted to be tolerated by in silico analysis. Based on the available evidence, the clinical significance of this variant remains unclear.